The following is an entry in ClinVar:

ClinVar aggregate classification (germline): Pathogenic (1 of 4 stars; one submission).

Conditions:
Migraine, familial hemiplegic, 1. Also called: MIGRAINE, FAMILIAL HEMIPLEGIC 1, WITH PROGRESSIVE CEREBELLAR ATAXIA. Identifiers: Orphanet 569, MedGen C1832884, MONDO:0020756, OMIM 141500, MONDO:0007714.

Submission:

Institute of Human Genetics, University of Leipzig Medical Center
Classification: Pathogenic for Migraine, familial hemiplegic, 1. Last evaluated: 2022-08-30. Review status: criteria provided, single submitter. Criteria: ACMG Guidelines, 2015. Collection method: clinical testing. Allele origin: paternal. Affected: yes.
Comment: _x000D_ Criteria applied: PVS1, PS1_SUP, PM2_SUP

NM_001127222.2(CACNA1A):c.3990-2A>C

Gene: CACNA1A (calcium voltage-gated channel subunit alpha1 A; minus strand). Cytogenetic location: 19p13.13.
Variant type: single nucleotide variant.
Coding change: c.3990-2A>C on transcript NM_001127222.2 (MANE Select); the canonical splice acceptor site of the intron before coding-DNA position 3990, A replaced by C.
Molecular consequence: splice acceptor variant.
Genome position (GRCh38, 1-based): chr19:13,262,835, T>G on the plus strand (A>C on the coding strand, the complement: CACNA1A is on the minus strand). VCF-style: chr19-13262835-T-G. GRCh37 (hg19) VCF-style: chr19-13373649-T-G.
Other names: c.3993-2A>C (NM_001127221.2, NM_001174080.2); c.4002-2A>C (NM_000068.4, NM_023035.3).
Identifiers: ClinVar variation 1707523 (VCV001707523.1), dbSNP rs1057524483, ClinGen allele CA404340121.